The following is an entry in ClinVar:

ClinVar aggregate classification (germline): Uncertain significance. Review status: criteria provided, multiple submitters, no conflicts (2 of 4 stars). 2 submissions from 2 submitters: Uncertain significance (2). Last evaluated 2026-06-22.

Conditions:
Inborn genetic diseases. Identifiers: MedGen C0950123, MeSH D030342.

Submissions (2):

Ambry Genetics
Classification: Uncertain significance for Inborn genetic diseases. Last evaluated: 2026-06-22. Review status: criteria provided, single submitter. Criteria: Ambry Variant Classification Scheme 2023. Collection method: clinical testing. Allele origin: germline.

Labcorp Genetics (formerly Invitae), Labcorp
Classification: Uncertain significance. Last evaluated: 2021-12-22. Review status: criteria provided, single submitter. Criteria: Invitae Variant Classification Sherloc (09022015). Collection method: clinical testing. Allele origin: germline.
Comment: Algorithms developed to predict the effect of missense changes on protein structure and function are either unavailable or do not agree on the potential impact of this missense change (SIFT: "Deleterious"; PolyPhen-2: "Benign"; Align-GVGD: "Class C0"). This sequence change replaces glutamic acid, which is acidic and polar, with lysine, which is basic and polar, at codon 558 of the MAP3K7 protein (p.Glu558Lys). This variant is not present in population databases (gnomAD no frequency). This variant has not been reported in the literature in individuals affected with MAP3K7-related conditions. In summary, the available evidence is currently insufficient to determine the role of this variant in disease. Therefore, it has been classified as a Variant of Uncertain Significance.

NM_145331.3(MAP3K7):c.1672G>A (p.Glu558Lys)

Gene: MAP3K7 (mitogen-activated protein kinase kinase kinase 7; minus strand). Cytogenetic location: 6q15.
Variant type: single nucleotide variant.
Coding change: c.1672G>A on transcript NM_145331.3 (MANE Select); coding-DNA position 1672, G replaced by A.
Protein change: p.Glu558Lys; replaces glutamic acid 558 with lysine.
Molecular consequence: missense variant. On other transcripts: synonymous variant (2).
Genome position (GRCh38, 1-based): chr6:90,516,650, C>T on the plus strand (G>A on the coding strand, the complement: MAP3K7 is on the minus strand). VCF-style: chr6-90516650-C-T. GRCh37 (hg19) VCF-style: chr6-91226369-C-T.
Other names: c.1672G>A (NM_145331.1); c.1591G>A, p.Glu531Lys (NM_003188.4); c.1556G>A, p.Ter519= (NM_145332.3); c.1475G>A, p.Ter492= (NM_145333.3); short protein forms E558K, E531K.
Identifiers: ClinVar variation 1912653 (VCV001912653.6), dbSNP rs2534238858, ClinGen allele CA365014362.